The following is an entry in ClinVar:

NM_014975.3(MAST1):c.428T>C (p.Ile143Thr)

Gene: MAST1 (microtubule associated serine/threonine kinase 1; plus strand). Cytogenetic location: 19p13.13.
Variant type: single nucleotide variant.
Coding change: c.428T>C on transcript NM_014975.3 (MANE Select); coding-DNA position 428, T replaced by C.
Protein change: p.Ile143Thr; replaces isoleucine 143 with threonine.
Molecular consequence: missense variant.
Genome position (GRCh38, 1-based): chr19:12,847,390, T>C. VCF-style: chr19-12847390-T-C. GRCh37 (hg19) VCF-style: chr19-12958204-T-C.
Other names: short protein forms I143T.
Identifiers: ClinVar variation 2067559 (VCV002067559.4), dbSNP rs1289022263, ClinGen allele CA404258903.

ClinVar aggregate classification (germline): Uncertain significance (1 of 4 stars; one submission).

Allele frequency attached by ClinVar (database versions not stated): TOPMed below 0.00001.

Submission:

Labcorp Genetics (formerly Invitae), Labcorp
Classification: Uncertain significance. Last evaluated: 2023-11-06. Review status: criteria provided, single submitter. Criteria: Invitae Variant Classification Sherloc (09022015). Collection method: clinical testing. Allele origin: germline.
Comment: This sequence change replaces isoleucine, which is neutral and non-polar, with threonine, which is neutral and polar, at codon 143 of the MAST1 protein (p.Ile143Thr). This variant is not present in population databases (gnomAD no frequency). This variant has not been reported in the literature in individuals affected with MAST1-related conditions. ClinVar contains an entry for this variant (Variation ID: 2067559). An algorithm developed to predict the effect of missense changes on protein structure and function (PolyPhen-2) suggests that this variant is likely to be tolerated. In summary, the available evidence is currently insufficient to determine the role of this variant in disease. Therefore, it has been classified as a Variant of Uncertain Significance.